The following is an entry in ClinVar:

ClinVar aggregate classification (germline): Uncertain significance (1 of 4 stars; one submission).

Submission:

GeneDx
Classification: Uncertain significance. Last evaluated: 2017-03-03. Review status: criteria provided, single submitter. Criteria: GeneDx Variant Classification (06012015). Collection method: clinical testing. Allele origin: germline. Affected: yes.
Comment: The D1774G variant in the COL12A1 gene has not been reported previously as a pathogenic variant, nor as a benign variant, to our knowledge. The D1774G variant is not observed in large population cohorts (Lek et al., 2016; 1000 Genomes Consortium et al., 2015; Exome Variant Server). The D1774G variant is a non-conservative amino acid substitution, which is likely to impact secondary protein structure as these residues differ in polarity, charge, size and/or other properties. This substitution occurs at a position that is conserved across species. In silico analysis is inconsistent in its predictions as to whether or not the variant is damaging to the protein structure/function. We interpret D1774G as a variant of uncertain significance.

NM_004370.6(COL12A1):c.5321A>G (p.Asp1774Gly)

Gene: COL12A1 (collagen type XII alpha 1 chain; minus strand). Cytogenetic location: 6q13.
Variant type: single nucleotide variant.
Coding change: c.5321A>G on transcript NM_004370.6 (MANE Select); coding-DNA position 5321, A replaced by G.
Protein change: p.Asp1774Gly; replaces aspartic acid 1774 with glycine.
Molecular consequence: missense variant.
Genome position (GRCh38, 1-based): chr6:75,137,510, T>C on the plus strand (A>G on the coding strand, the complement: COL12A1 is on the minus strand). VCF-style: chr6-75137510-T-C. GRCh37 (hg19) VCF-style: chr6-75847226-T-C.
Other names: c.1829A>G, p.Asp610Gly (NM_080645.3); short protein forms D1774G, D610G.
Identifiers: ClinVar variation 424069 (VCV000424069.2), dbSNP rs1064796779, ClinGen allele CA16618307.
Genomic context (GRCh38, chr6:75,137,510, plus strand): 5'-CCTTCCCCTGTGGAAGGCTGATAAGTGATCCTATATTTCTGCACACGACCACTAGCAGGA[T>C]CCCACTTAACAGTCAGGCTGTTAGATGTTGCATTGTACACTTGAAGGTTTCGTGGGCCAC-3'
Protein context (NP_004361.3, residues 1764-1784): ATSNSLTVKW[Asp1774Gly]PASGRVQKYR